The following is an entry in ClinVar:

NM_004387.4(NKX2-5):c.335-299_335-297dup

Gene: NKX2-5 (NK2 homeobox 5; minus strand). Cytogenetic location: 5q35.1.
Variant type: Duplication.
Coding change: c.335-299_335-297dup on transcript NM_004387.4 (MANE Select); 299 bases into the intron before coding-DNA position 335 through 297 bases into the intron before coding-DNA position 335, 3 bases duplicated (TTT; older notation c.335-299_335-297dupTTT).
Molecular consequence: intron variant.
Genome position (GRCh38, 1-based): chr5:173,233,506-173,233,508, AAA duplicated on the plus strand (TTT on the coding strand, the reverse complement: NKX2-5 is on the minus strand); duplicating any 3 consecutive bases within chr5:173,233,506-173,233,519 gives the same sequence; the c. name uses the placement nearest the transcript's 3' end. VCF-style (leftmost placement, unchanged base first): chr5-173233505-C-CAAA. GRCh37 (hg19) VCF-style: chr5-172660508-C-CAAA.
Other names: c.335-44_335-42dup (NM_001166176.2); c.335-7_335-5dup (NM_001166175.2).
Identifiers: ClinVar variation 2656083 (VCV002656083.24), dbSNP rs763099269, ClinGen allele CA3563744.

ClinVar aggregate classification (germline): Benign/Likely benign. Review status: criteria provided, multiple submitters, no conflicts (2 of 4 stars). 2 submissions from 2 submitters: Benign (1); Likely benign (1). Last evaluated 2026-08-01.

Submissions (2):

CeGaT Center for Human Genetics Tuebingen
Classification: Benign. Last evaluated: 2026-08-01. Review status: criteria provided, single submitter. Criteria: CeGaT Center For Human Genetics Tuebingen Variant Classification Criteria Version 2. Collection method: clinical testing. Allele origin: germline. Affected: yes. Observed: 2 variant alleles.
Comment: NKX2-5: BS1, BS2

Molecular Diagnostic Laboratory for Inherited Cardiovascular Disease, Montreal Heart Institute
Classification: Likely benign. Last evaluated: 2026-03-27. Review status: criteria provided, single submitter. Criteria: ACMG Guidelines, 2015. Collection method: clinical testing. Allele origin: germline. Affected: no.
Comment: BS1